The following is an entry in ClinVar:

ClinVar aggregate classification (germline): Conflicting classifications of pathogenicity. Review status: criteria provided, conflicting classifications (1 of 4 stars). 3 submissions from 3 submitters: Uncertain significance (1); Likely benign (1). 1 of the submissions does not count toward it. Last evaluated 2026-01-19.

Conditions:
Usher syndrome type 1F (USH1F). Also called: USHER SYNDROME, TYPE IF. Identifiers: Orphanet 231169, Orphanet 886, MedGen C1865885, MONDO:0011186, OMIM 602083.

Allele frequency attached by ClinVar (database versions not stated): gnomAD exomes 0.00001 and 0.00003; ExAC 0.00003.
gnomAD v4.1: 18 of 1,612,516 alleles (0.0011%); highest among the groups gnomAD compares: South Asian, 0.019%; 1 homozygote.

Submissions (3):

Labcorp Genetics (formerly Invitae), Labcorp
Classification: Likely benign. Last evaluated: 2026-01-19. Review status: criteria provided, single submitter. Criteria: Invitae Variant Classification Sherloc (09022015). Collection method: clinical testing. Allele origin: germline.

GeneDx
Classification: Uncertain significance. Last evaluated: 2023-07-05. Review status: criteria provided, single submitter. Criteria: GeneDx Variant Classification Process June 2021. Collection method: clinical testing. Allele origin: germline. Affected: yes.
Comment: In silico analysis supports that this missense variant does not alter protein structure/function; Has not been previously published as pathogenic or benign to our knowledge

Natera, Inc.
Classification: Uncertain significance for Usher syndrome type 1F. Last evaluated: 2020-09-08. Review status: no assertion criteria provided. Collection method: clinical testing. Allele origin: germline. Not counted in ClinVar's aggregate classification.

NM_033056.4(PCDH15):c.5216A>T (p.Asn1739Ile)

Gene: PCDH15 (protocadherin related 15; minus strand). Cytogenetic location: 10q21.1.
Variant type: single nucleotide variant.
Coding change: c.5216A>T on transcript NM_033056.4 (MANE Plus Clinical); coding-DNA position 5216, A replaced by T.
Protein change: p.Asn1739Ile; replaces asparagine 1739 with isoleucine.
Molecular consequence: missense variant. On other transcripts: intron variant (8).
Genome position (GRCh38, 1-based): chr10:53,822,510, T>A on the plus strand (A>T on the coding strand, the complement: PCDH15 is on the minus strand). VCF-style: chr10-53822510-T-A. GRCh37 (hg19) VCF-style: chr10-55582270-T-A.
Other names: c.5237A>T, p.Asn1746Ile (NM_001142763.2); c.5222A>T, p.Asn1741Ile (NM_001142764.2); c.5009A>T, p.Asn1670Ile (NM_001142765.2); c.5207A>T, p.Asn1736Ile (NM_001142766.2); c.5096A>T, p.Asn1699Ile (NM_001142767.2); c.5156A>T, p.Asn1719Ile (NM_001142768.2); c.5147A>T, p.Asn1716Ile (NM_001142773.2); c.5150A>T, p.Asn1717Ile (NM_001354404.2); and 7 more; short protein forms N1716I, N1717I, N1736I, N1746I, N1670I, N1739I, N1699I, N1719I.
Identifiers: ClinVar variation 861526 (VCV000861526.10), dbSNP rs772081755, ClinGen allele CA5505103.